The following is an entry in ClinVar:

ClinVar aggregate classification (germline): Uncertain significance (1 of 4 stars; one submission).

Conditions:
Hennekam lymphangiectasia-lymphedema syndrome 2 (HKLLS2). Identifiers: Orphanet 2136, MedGen C4014939, MONDO:0014454, OMIM 616006.

Submission:

Clinical Genomics Laboratory, Washington University in St. Louis
Classification: Uncertain significance for Hennekam lymphangiectasia-lymphedema syndrome 2. Last evaluated: 2025-06-26. Review status: criteria provided, single submitter. Criteria: ACMG Guidelines, 2015. Collection method: clinical testing. Allele origin: germline.
Comment: A FAT4 c.1168G>T (p.Ala390Ser) variant was identified at a near heterozygous allelic fraction of 49.9%, a frequency which may be consistent with it being of germline origin. This variant, to our knowledge, has not been reported in the medical literature. It is only observed in 30/1,613,736 alleles in the general population (gnomAD v4.1.0), indicating it is not a common variant. Computational predictors suggest that the variant does not impact FAT4 function. Due to limited information, and based on ACMG/AMP guidelines for variant interpretation (Richards S et al., PMID: 25741868), the clinical significance of this variant is uncertain at this time.

NM_001291303.3(FAT4):c.1168G>T (p.Ala390Ser)

Gene: FAT4 (FAT atypical cadherin 4; plus strand). Cytogenetic location: 4q28.1.
Variant type: single nucleotide variant.
Coding change: c.1168G>T on transcript NM_001291303.3 (MANE Select); coding-DNA position 1168, G replaced by T.
Protein change: p.Ala390Ser; replaces alanine 390 with serine.
Molecular consequence: missense variant. On other transcripts: intron variant (1).
Genome position (GRCh38, 1-based): chr4:125,317,579, G>T. VCF-style: chr4-125317579-G-T. GRCh37 (hg19) VCF-style: chr4-126238734-G-T.
Other names: c.1168G>T, p.Ala390Ser (NM_001438396.1, NM_001438397.1, NM_024582.6 and 1 more transcripts); c.-55+1602G>T (NM_001437895.1); short protein forms A390S.
Identifiers: ClinVar variation 4279850 (VCV004279850.1).